The following is an entry in ClinVar:

ClinVar aggregate classification (germline): Likely benign. Review status: criteria provided, multiple submitters, no conflicts (2 of 4 stars). 2 submissions from 2 submitters: Likely benign (2). Last evaluated 2018-06-16.

Allele frequency attached by ClinVar (database versions not stated): ESP Exome Variant Server 0.00008; gnomAD 0.00059 and 0.00121; gnomAD exomes 0.00128 and 0.00320; TOPMed 0.00134; ExAC 0.00331; 1000 Genomes Project 30x 0.00750; 1000 Genomes Project 0.00819.
gnomAD v4.1: 2,074 of 1,612,244 alleles (0.13%); highest among the groups gnomAD compares: East Asian, 1.9%; 30 homozygotes.

Submissions (2):

GeneDx
Classification: Likely benign. Last evaluated: 2018-06-16. Review status: criteria provided, single submitter. Criteria: GeneDx Variant Classification (06012015). Collection method: clinical testing. Allele origin: germline. Affected: yes.
Comment: This variant is considered likely benign or benign based on one or more of the following criteria: it is a conservative change, it occurs at a poorly conserved position in the protein, it is predicted to be benign by multiple in silico algorithms, and/or has population frequency not consistent with disease.

Breakthrough Genomics
Classification: Likely benign. Review status: criteria provided, single submitter. Criteria: ACMG Guidelines, 2015. Collection method: not provided. Allele origin: germline. Inheritance: Autosomal dominant inheritance. Affected: yes.

NM_001035.3(RYR2):c.7342+42G>A

Gene: RYR2 (ryanodine receptor 2; plus strand). Cytogenetic location: 1q43.
Variant type: single nucleotide variant.
Coding change: c.7342+42G>A on transcript NM_001035.3 (MANE Select); 42 bases into the intron after coding-DNA position 7342, G replaced by A.
Molecular consequence: intron variant.
Genome position (GRCh38, 1-based): chr1:237,643,489, G>A. VCF-style: chr1-237643489-G-A. GRCh37 (hg19) VCF-style: chr1-237806789-G-A.
Identifiers: ClinVar variation 674627 (VCV000674627.2), dbSNP rs138954285, ClinGen allele CA087369.
Genomic context (GRCh38, chr1:237,643,489, plus strand): 5'-ATGCCAACAATAGCCAAAGGTAAGGCCAACTTCAATTTGTCCTAATTCAGTAGGATGTTG[G>A]ATGACATCATGTTCTAAAGAATGTTTTCCGTACTCAACATCCCAACCTCTCCACTTCCTA-3'